The following is an entry in ClinVar:

NM_001127511.3(APC):c.165+20896A>T

Gene: APC (APC regulator of Wnt signaling pathway; plus strand). Cytogenetic location: 5q22.2.
Variant type: single nucleotide variant.
Coding change: c.165+20896A>T on transcript NM_001127511.3; 20896 bases into the intron after coding-DNA position 165, A replaced by T.
Molecular consequence: intron variant.
Genome position (GRCh38, 1-based): chr5:112,728,778, A>T. VCF-style: chr5-112728778-A-T. GRCh37 (hg19) VCF-style: chr5-112064475-A-T.
Other names: c.-1054+20896A>T (NM_001407470.1, NM_001407472.1); c.-19+20896A>T (NM_001407447.1, NM_001354895.2, NM_001407456.1 and 3 more transcripts); c.165+20896A>T (NM_001407446.1, NM_001354897.2, NM_001354902.2); c.-19+21129A>T (NM_001407448.1, NM_001407450.1, NM_001407457.1 and 1 more transcripts); c.-43+21129A>T (NM_001407453.1).
Identifiers: ClinVar variation 82711 (VCV000082711.4), dbSNP rs861674, ClinGen allele CA023519.

ClinVar aggregate classification (germline): other (0 of 4 stars; one submission).

Conditions:
Familial colorectal cancer. Identifiers: MedGen CN280943, MONDO:0023113. Disease mechanism: loss of function.

Allele frequency attached by ClinVar (database versions not stated): 1000 Genomes Project 30x 0.37461; 1000 Genomes Project 0.37280; TOPMed 0.42724; gnomAD 0.44272 and 0.44954.
gnomAD v4.1: 67,227 of 151,854 alleles (44%); highest among the groups gnomAD compares: Middle Eastern, 48%; 15,255 homozygotes.

Submission:

Systems Biology Platform Zhejiang California International NanoSystems Institute
Classification: other for Familial colorectal cancer. Review status: no assertion criteria provided. Collection method: not provided. Allele origin: unknown.
ClinVar note: Converted during submission from cancer to other.